The following is an entry in ClinVar:

ClinVar aggregate classification (germline): Uncertain significance (1 of 4 stars; one submission).

Conditions:
Epilepsy, childhood absence, susceptibility to, 1. Also called: Epilepsy, childhood absence 1. Identifiers: Orphanet 64280, MedGen C1838604, MONDO:0020759, OMIM 600131.
Epilepsy, childhood absence, susceptibility to, 5. Identifiers: Orphanet 64280, MedGen C2677087, MONDO:0012843, OMIM 612269.

Submission:

Labcorp Genetics (formerly Invitae), Labcorp
Classification: Uncertain significance for Epilepsy, childhood absence, susceptibility to, 5; Epilepsy, childhood absence, susceptibility to, 1. Last evaluated: 2026-01-27. Review status: criteria provided, single submitter. Criteria: Invitae Variant Classification Sherloc (09022015). Collection method: clinical testing. Allele origin: germline.
Comment: This sequence change replaces aspartic acid, which is acidic and polar, with asparagine, which is neutral and polar, at codon 49 of the GABRB3 protein (p.Asp49Asn). This variant is not present in population databases (gnomAD no frequency). This variant has not been reported in the literature in individuals affected with GABRB3-related conditions. ClinVar contains an entry for this variant (Variation ID: 2922132). Invitae Evidence Modeling of protein sequence and biophysical properties (such as structural, functional, and spatial information, amino acid conservation, physicochemical variation, residue mobility, and thermodynamic stability) has been performed for this missense variant. However, the output from this modeling did not meet the statistical confidence thresholds required to predict the impact of this variant on GABRB3 protein function. In summary, the available evidence is currently insufficient to determine the role of this variant in disease. Therefore, it has been classified as a Variant of Uncertain Significance.

NM_000814.6(GABRB3):c.145G>A (p.Asp49Asn)

Gene: GABRB3 (gamma-aminobutyric acid type A receptor subunit beta3; minus strand). Cytogenetic location: 15q12.
Variant type: single nucleotide variant.
Coding change: c.145G>A on transcript NM_000814.6 (MANE Select); coding-DNA position 145, G replaced by A.
Protein change: p.Asp49Asn; replaces aspartic acid 49 with asparagine.
Molecular consequence: missense variant. On other transcripts: 5 prime UTR variant (1).
Genome position (GRCh38, 1-based): chr15:26,772,708, C>T on the plus strand (G>A on the coding strand, the complement: GABRB3 is on the minus strand). VCF-style: chr15-26772708-C-T. GRCh37 (hg19) VCF-style: chr15-27017855-C-T.
Other names: c.-207G>A (NM_001278631.2); c.145G>A, p.Asp49Asn (NM_021912.5); short protein forms D49N.
Identifiers: ClinVar variation 2922132 (VCV002922132.3), dbSNP rs2504095089, ClinGen allele CA391465389.